The following is an entry in ClinVar:

NM_014339.7(IL17RA):c.*4197A>G

Gene: IL17RA (interleukin 17 receptor A; plus strand). Cytogenetic location: 22q11.1.
Variant type: single nucleotide variant.
Coding change: c.*4197A>G on transcript NM_014339.7 (MANE Select); 4197 bases downstream of the stop codon, A replaced by G.
Molecular consequence: 3 prime UTR variant.
Genome position (GRCh38, 1-based): chr22:17,114,017, A>G. VCF-style: chr22-17114017-A-G. GRCh37 (hg19) VCF-style: chr22-17594907-A-G.
Other names: c.*4197A>G (NM_001289905.2).
Identifiers: ClinVar variation 897385 (VCV000897385.4), dbSNP rs149359202, ClinGen allele CA321156528.

ClinVar aggregate classification (germline): Likely benign (1 of 4 stars; one submission).

Conditions:
Immunodeficiency 51 (IMD51). Also called: CANDIDIASIS, FAMILIAL, 5. Identifiers: Orphanet 1334, MedGen C4310803, MONDO:0013500, OMIM 613953.

Allele frequency attached by ClinVar (database versions not stated): 1000 Genomes Project 0.00080; 1000 Genomes Project 30x 0.00141; gnomAD 0.00143 and 0.00148; TOPMed 0.00153.

Submission:

Illumina Laboratory Services, Illumina
Classification: Likely benign for Immunodeficiency 51. Last evaluated: 2018-01-13. Review status: criteria provided, single submitter. Criteria: ICSL Variant Classification Criteria 13 December 2019. Collection method: clinical testing. Allele origin: germline.
Comment: This variant was observed in the ICSL laboratory as part of a predisposition screen in an ostensibly healthy population. It had not been previously curated by ICSL or reported in the Human Gene Mutation Database (HGMD: prior to June 1st, 2018), and was therefore a candidate for classification through an automated scoring system. Utilizing variant allele frequency, disease prevalence and penetrance estimates, and inheritance mode, an automated score was calculated to assess if this variant is too frequent to cause the disease. Based on the score and internal cut-off values, a variant classified as likely benign is not then subjected to further curation. The score for this variant resulted in a classification of likely benign for this disease.